The following is an entry in ClinVar:

NM_001127671.2(LIFR):c.462C>A (p.Tyr154Ter)

Gene: LIFR (LIF receptor subunit alpha; minus strand). Cytogenetic location: 5p13.1.
Variant type: single nucleotide variant.
Coding change: c.462C>A on transcript NM_001127671.2 (MANE Select); coding-DNA position 462, C replaced by A.
Protein change: p.Tyr154Ter; replaces tyrosine 154 with a stop codon.
Molecular consequence: nonsense.
Genome position (GRCh38, 1-based): chr5:38,523,518, G>T on the plus strand (C>A on the coding strand, the complement: LIFR is on the minus strand). VCF-style: chr5-38523518-G-T. GRCh37 (hg19) VCF-style: chr5-38523620-G-T.
Other names: c.462C>A, p.Tyr154Ter (NM_001364297.2, NM_001364298.2, NM_002310.6); short protein forms Y154*.
Identifiers: ClinVar variation 2983114 (VCV002983114.3), dbSNP rs765749224, ClinGen allele CA359615403.

ClinVar aggregate classification (germline): Pathogenic (1 of 4 stars; one submission).

Submission:

Labcorp Genetics (formerly Invitae), Labcorp
Classification: Pathogenic. Last evaluated: 2023-07-19. Review status: criteria provided, single submitter. Criteria: Invitae Variant Classification Sherloc (09022015). Collection method: clinical testing. Allele origin: germline.
Comment: For these reasons, this variant has been classified as Pathogenic. This variant has not been reported in the literature in individuals affected with LIFR-related conditions. This variant is not present in population databases (gnomAD no frequency). This sequence change creates a premature translational stop signal (p.Tyr154*) in the LIFR gene. It is expected to result in an absent or disrupted protein product. Loss-of-function variants in LIFR are known to be pathogenic (PMID: 14740318).

Literature cited by the submitters: PubMed 14740318.